The following is an entry in ClinVar:

NM_017882.3(CLN6):c.43G>T (p.Gly15Cys)

Gene: CLN6 (CLN6 transmembrane ER protein; minus strand). Cytogenetic location: 15q23.
Variant type: single nucleotide variant.
Coding change: c.43G>T on transcript NM_017882.3 (MANE Select); coding-DNA position 43, G replaced by T.
Protein change: p.Gly15Cys; replaces glycine 15 with cysteine.
Molecular consequence: missense variant.
Genome position (GRCh38, 1-based): chr15:68,229,542, C>A on the plus strand (G>T on the coding strand, the complement: CLN6 is on the minus strand). VCF-style: chr15-68229542-C-A. GRCh37 (hg19) VCF-style: chr15-68521880-C-A.
Other names: short protein forms G15C.
Identifiers: ClinVar variation 392077 (VCV000392077.10), dbSNP rs1057524348, ClinGen allele CA16607006.

ClinVar aggregate classification (germline): Uncertain significance. Review status: criteria provided, multiple submitters, no conflicts (2 of 4 stars). 3 submissions from 3 submitters: Uncertain significance (3). Last evaluated 2025-08-12.

Conditions:
Inborn genetic diseases. Identifiers: MedGen C0950123, MeSH D030342.
Neuronal ceroid lipofuscinosis. Also called: Neuronal Ceroid Lipofuscinoses. Identifiers: Orphanet 216, Orphanet 79263, MedGen C0027877, MONDO:0016295. Disease mechanism: loss of function.

Allele frequency attached by ClinVar (database versions not stated): gnomAD exomes below 0.00001; gnomAD 0.00001 and 0.00002; TOPMed 0.00002.
gnomAD v4.1: 11 of 1,468,310 alleles (0.00075%); highest among the groups gnomAD compares: Admixed American, 0.0047%; no homozygotes.

Submissions (3):

Ambry Genetics
Classification: Uncertain significance for Inborn genetic diseases. Last evaluated: 2025-08-12. Review status: criteria provided, single submitter. Criteria: Ambry Variant Classification Scheme 2023. Collection method: clinical testing. Allele origin: germline.

GeneDx
Classification: Uncertain significance. Last evaluated: 2025-01-25. Review status: criteria provided, single submitter. Criteria: GeneDx Variant Classification Process June 2021. Collection method: clinical testing. Allele origin: germline. Affected: yes.
Comment: Not observed at significant frequency in large population cohorts (gnomAD); In silico analysis supports that this missense variant has a deleterious effect on protein structure/function; Has not been previously published as pathogenic or benign to our knowledge

Labcorp Genetics (formerly Invitae), Labcorp
Classification: Uncertain significance for Neuronal ceroid lipofuscinosis. Last evaluated: 2024-04-22. Review status: criteria provided, single submitter. Criteria: Invitae Variant Classification Sherloc (09022015). Collection method: clinical testing. Allele origin: germline.
Comment: This sequence change replaces glycine, which is neutral and non-polar, with cysteine, which is neutral and slightly polar, at codon 15 of the CLN6 protein (p.Gly15Cys). This variant is not present in population databases (gnomAD no frequency). This variant has not been reported in the literature in individuals affected with CLN6-related conditions. ClinVar contains an entry for this variant (Variation ID: 392077). Advanced modeling of protein sequence and biophysical properties (such as structural, functional, and spatial information, amino acid conservation, physicochemical variation, residue mobility, and thermodynamic stability) performed at Invitae indicates that this missense variant is expected to disrupt CLN6 protein function with a positive predictive value of 80%. In summary, the available evidence is currently insufficient to determine the role of this variant in disease. Therefore, it has been classified as a Variant of Uncertain Significance.